The following is an entry in ClinVar:

NM_006005.3(WFS1):c.1998G>A (p.Trp666Ter)

Gene: WFS1 (wolframin ER transmembrane glycoprotein; plus strand). Cytogenetic location: 4p16.1.
Variant type: single nucleotide variant.
Coding change: c.1998G>A on transcript NM_006005.3 (MANE Select); coding-DNA position 1998, G replaced by A.
Protein change: p.Trp666Ter; replaces tryptophan 666 with a stop codon.
Molecular consequence: nonsense.
Genome position (GRCh38, 1-based): chr4:6,301,793, G>A. VCF-style: chr4-6301793-G-A. GRCh37 (hg19) VCF-style: chr4-6303520-G-A.
Other names: c.1998G>A, p.Trp666Ter (NM_001145853.1); short protein forms W666*.
Identifiers: ClinVar variation 3641318 (VCV003641318.2).
Genomic context (GRCh38, chr4:6,301,793, plus strand): 5'-CTGCTGGTTCTATGTGTACCGCTCAGAGGGCATGAAGGTCTACAACTCCACACTGACCTG[G>A]CAGCAGTATGGTGCGCTGTGCGGGCCACGCGCCTGGAAGGAGACCAACATGGCGCGCACC-3'

ClinVar aggregate classification (germline): Pathogenic (1 of 4 stars; one submission).

gnomAD v4.1: 1 of 1,613,342 alleles (0.000062%); highest among the groups gnomAD compares: Non-Finnish European, 0.000085%; no homozygotes.

Submission:

Labcorp Genetics (formerly Invitae), Labcorp
Classification: Pathogenic. Last evaluated: 2024-02-16. Review status: criteria provided, single submitter. Criteria: Invitae Variant Classification Sherloc (09022015). Collection method: clinical testing. Allele origin: germline.
Comment: This sequence change creates a premature translational stop signal (p.Trp666*) in the WFS1 gene. While this is not anticipated to result in nonsense mediated decay, it is expected to disrupt the last 225 amino acid(s) of the WFS1 protein. This variant is not present in population databases (gnomAD no frequency). This premature translational stop signal has been observed in individual(s) with clinical features of autosomal recessive WFS1-related conditions (PMID: 34792487). In at least one individual the data is consistent with being in trans (on the opposite chromosome) from a pathogenic variant. It has also been observed to segregate with disease in related individuals. This variant disrupts a region of the WFS1 protein in which other variant(s) (p.Pro885Leu) have been determined to be pathogenic (PMID: 10521293, 16806192, 28432734). This suggests that this is a clinically significant region of the protein, and that variants that disrupt it are likely to be disease-causing. For these reasons, this variant has been classified as Pathogenic.

Literature cited by the submitters: PubMed 34792487; PubMed 10521293; PubMed 16806192; PubMed 28432734.